The following is an entry in ClinVar:

NM_018026.4(PACS1):c.1375-13_1375-9del

Gene: PACS1 (phosphofurin acidic cluster sorting protein 1; plus strand). Cytogenetic location: 11q13.2.
Variant type: Microsatellite.
Coding change: c.1375-13_1375-9del on transcript NM_018026.4 (MANE Select); 13 bases into the intron before coding-DNA position 1375 through 9 bases into the intron before coding-DNA position 1375, 5 bases deleted (TCCTC; older notation c.1375-13_1375-9delTCCTC).
Molecular consequence: intron variant.
Genome position (GRCh38, 1-based): chr11:66,230,535-66,230,539, TCCTC deleted; deleting any 5 consecutive bases within chr11:66,230,530-66,230,539 gives the same sequence; the c. name uses the placement nearest the transcript's 3' end. VCF-style (leftmost placement, unchanged base first): chr11-66230529-TTCCTC-T. GRCh37 (hg19) VCF-style: chr11-65998000-TTCCTC-T.
Identifiers: ClinVar variation 2663475 (VCV002663475.2), dbSNP rs745638170, ClinGen allele CA6116559.

ClinVar aggregate classification (germline): Conflicting classifications of pathogenicity. Review status: criteria provided, conflicting classifications (1 of 4 stars). 2 submissions from 2 submitters: Uncertain significance (1); Likely benign (1). Last evaluated 2025-02-12.

Conditions:
Schuurs-Hoeijmakers syndrome. Also called: PACS1-Related Neurodevelopmental Disorder. Identifiers: Orphanet 329224, MedGen C3554343, MONDO:0014006, OMIM 615009.

Submissions (2):

Labcorp Genetics (formerly Invitae), Labcorp
Classification: Likely benign for Schuurs-Hoeijmakers syndrome. Last evaluated: 2025-02-12. Review status: criteria provided, single submitter. Criteria: Invitae Variant Classification Sherloc (09022015). Collection method: clinical testing. Allele origin: germline.

GeneDx
Classification: Uncertain significance. Last evaluated: 2023-04-20. Review status: criteria provided, single submitter. Criteria: GeneDx Variant Classification Process June 2021. Collection method: clinical testing. Allele origin: germline. Affected: yes.
Comment: Not observed at significant frequency in large population cohorts (gnomAD); Has not been previously published as pathogenic or benign to our knowledge; In silico analysis is inconclusive as to whether the variant alters gene splicing. In the absence of RNA/functional studies, the actual effect of this sequence change is unknown.